The following is an entry in ClinVar:

NM_144599.5(NIPA1):c.483T>G (p.Phe161Leu)

Gene: NIPA1 (NIPA magnesium transporter 1; plus strand). Cytogenetic location: 15q11.2.
Variant type: single nucleotide variant.
Coding change: c.483T>G on transcript NM_144599.5 (MANE Select); coding-DNA position 483, T replaced by G.
Protein change: p.Phe161Leu; replaces phenylalanine 161 with leucine.
Molecular consequence: missense variant.
Genome position (GRCh38, 1-based): chr15:22,823,732, T>G. VCF-style: chr15-22823732-T-G. GRCh37 (hg19) VCF-style: chr15-23049336-A-C.
Other names: c.258T>G, p.Phe86Leu (NM_001142275.1); short protein forms F161L, F86L.
Identifiers: ClinVar variation 1690799 (VCV001690799.2), dbSNP rs765470587, ClinGen allele CA7426060.
Genomic context (GRCh38, chr15:22,823,732, plus strand): 5'-TGGGTTGCGGCTGCTAGGCGGTGGCTCCGGGTGACTGTGTGCTGTCTGTGTTCCAGTGTT[T>G]GTGGGCTACCTGTGCATCGTGCTGCTCATGCTGCTGCTGCTCATCTTCTGGATCGCGCCG-3'
Protein context (NP_653200.2, residues 151-171): ELEEKLTNPV[Phe161Leu]VGYLCIVLLM

ClinVar aggregate classification (germline): Uncertain significance (1 of 4 stars; one submission).

Allele frequency attached by ClinVar (database versions not stated): ExAC 0.00001.
gnomAD v4.1: 2 of 1,606,052 alleles (0.00012%); highest among the groups gnomAD compares: Non-Finnish European, 0.00017%; no homozygotes.

Submission:

Laboratorio de Genetica e Diagnostico Molecular, Hospital Israelita Albert Einstein
Classification: Uncertain significance. Last evaluated: 2020-02-10. Review status: criteria provided, single submitter. Criteria: ACMG Guidelines, 2015. Collection method: clinical testing. Allele origin: germline. Affected: yes.
Comment: ACMG classification criteria: PM2